The following is an entry in ClinVar:

NM_144573.4(NEXN):c.1855G>A (p.Gly619Arg)

Gene: NEXN (nexilin F-actin binding protein; plus strand). Cytogenetic location: 1p31.1.
Variant type: single nucleotide variant.
Coding change: c.1855G>A on transcript NM_144573.4 (MANE Select); coding-DNA position 1855, G replaced by A.
Protein change: p.Gly619Arg; replaces glycine 619 with arginine.
Molecular consequence: missense variant.
Genome position (GRCh38, 1-based): chr1:77,942,656, G>A. VCF-style: chr1-77942656-G-A. GRCh37 (hg19) VCF-style: chr1-78408341-G-A.
Other names: c.1663G>A, p.Gly555Arg (NM_001172309.2); short protein forms G619R, G555R.
Identifiers: ClinVar variation 2625957 (VCV002625957.2), dbSNP rs779240808, ClinGen allele CA918993.
Genomic context (GRCh38, chr1:77,942,656, plus strand): 5'-GTCAGATTTACGGTTAAAGTAACAGGAGAACCCAAACCAGAAATTACATGGTGGTTTGAA[G>A]GAGAAATACTGCAGGATGGAGAAGACTATCAATATATTGAAAGGGGAGAAACTTACTGCC-3'
Protein context (NP_653174.3, residues 609-629): PKPEITWWFE[Gly619Arg]EILQDGEDYQ

ClinVar aggregate classification (germline): Uncertain significance (1 of 4 stars; one submission).

Conditions:
Cardiovascular phenotype. Identifiers: MedGen CN230736.

Allele frequency attached by ClinVar (database versions not stated): gnomAD exomes 0.00001; ExAC 0.00002.
gnomAD v4.1: 3 of 1,613,774 alleles (0.00019%); highest among the groups gnomAD compares: South Asian, 0.0033%; no homozygotes.

Submission:

Ambry Genetics
Classification: Uncertain significance for Cardiovascular phenotype. Last evaluated: 2023-07-10. Review status: criteria provided, single submitter. Criteria: Ambry Variant Classification Scheme 2023. Collection method: clinical testing. Allele origin: germline.
Comment: The p.G619R variant (also known as c.1855G>A), located in coding exon 12 of the NEXN gene, results from a G to A substitution at nucleotide position 1855. The glycine at codon 619 is replaced by arginine, an amino acid with dissimilar properties. This amino acid position is conserved. In addition, the in silico prediction for this alteration is inconclusive. Since supporting evidence is limited at this time, the clinical significance of this alteration remains unclear.